The following is an entry in ClinVar:

NC_000017.10:g.(?_19552275)_(19555955_?)del

Gene: ALDH3A2 (aldehyde dehydrogenase 3 family member A2; plus strand). Cytogenetic location: 17p11.2.
Variant type: Deletion.
Identifiers: ClinVar variation 1069337 (VCV001069337.2).

ClinVar aggregate classification (germline): Pathogenic (1 of 4 stars; one submission).

Submission:

Labcorp Genetics (formerly Invitae), Labcorp
Classification: Pathogenic. Last evaluated: 2021-07-01. Review status: criteria provided, single submitter. Criteria: Invitae Variant Classification Sherloc (09022015). Collection method: clinical testing. Allele origin: germline.
Comment: This variant is a gross deletion of the genomic region encompassing exon(s) 1-3 of the ALDH3A2 gene, which includes the initiator codon. The 5' end of this event is unknown as it extends beyond the assayed region for this gene and therefore may encompass additional genes. The 3' boundary is likely confined to intron 3 of the ALDH3A2 gene. It is expected to result in an absent or disrupted protein product. Loss-of-function variants in ALDH3A2 are known to be pathogenic (PMID: 10577908, 10854114). A similar copy number variant has been observed in individual(s) with clinical features of Sj√∂gren-Larsson syndrome (PMID: 26633542). For these reasons, this variant has been classified as Pathogenic.

Literature cited by the submitters: PubMed 10577908; PubMed 10854114; PubMed 26633542.